The following is an entry in ClinVar:

ClinVar aggregate classification (germline): Conflicting classifications of pathogenicity. Review status: criteria provided, conflicting classifications (1 of 4 stars). 8 submissions from 8 submitters: Uncertain significance (2); Benign (1); Likely benign (4). 1 of the submissions does not count toward it. Last evaluated 2026-02-01.

Conditions:
TNXB-related disorder. Also called: TNXB-related condition.
Cardiovascular phenotype. Identifiers: MedGen CN230736.

Allele frequency attached by ClinVar (database versions not stated): gnomAD exomes 0.00026 and 0.00046; ExAC 0.00061; ESP Exome Variant Server 0.00137; TOPMed 0.00195; gnomAD 0.00214 and 0.00219; 1000 Genomes Project 0.00359; 1000 Genomes Project 30x 0.00422.
gnomAD v4.1: 713 of 1,608,444 alleles (0.044%); highest among the groups gnomAD compares: African/African-American, 0.81%; 7 homozygotes.

Submissions (8):

CeGaT Center for Human Genetics Tuebingen
Classification: Likely benign. Last evaluated: 2026-02-01. Review status: criteria provided, single submitter. Criteria: CeGaT Center For Human Genetics Tuebingen Variant Classification Criteria Version 2. Collection method: clinical testing. Allele origin: germline. Affected: yes. Observed: 1 variant allele.
Comment: TNXB: BS2

Labcorp Genetics (formerly Invitae), Labcorp
Classification: Benign. Last evaluated: 2026-01-31. Review status: criteria provided, single submitter. Criteria: Invitae Variant Classification Sherloc (09022015). Collection method: clinical testing. Allele origin: germline.

Ambry Genetics
Classification: Likely benign for Cardiovascular phenotype. Last evaluated: 2025-08-12. Review status: criteria provided, single submitter. Criteria: Ambry Variant Classification Scheme 2023. Collection method: clinical testing. Allele origin: germline.

Mayo Clinic Laboratories, Mayo Clinic
Classification: Likely benign. Last evaluated: 2025-07-18. Review status: criteria provided, single submitter. Criteria: ACMG Guidelines, 2015. Collection method: clinical testing. Allele origin: germline. Observed: 2 variant alleles.
Comment: BS1

Blueprint Genetics
Classification: Likely benign. Last evaluated: 2024-11-01. Review status: criteria provided, single submitter. Criteria: ACMG Guidelines, 2015. Collection method: clinical testing. Allele origin: germline.

GeneDx
Classification: Uncertain significance. Last evaluated: 2023-07-19. Review status: criteria provided, single submitter. Criteria: GeneDx Variant Classification Process June 2021. Collection method: clinical testing. Allele origin: germline. Affected: yes.
Comment: Has not been previously published as pathogenic or benign to our knowledge; In silico analysis supports that this missense variant has a deleterious effect on protein structure/function; Observed with p.(P1253H) in several individuals, suggesting that p.(S1091Y) and p.(P1253H) may occur on the same allele (in cis)

Breakthrough Genomics
Classification: Uncertain significance. Review status: criteria provided, single submitter. Criteria: ACMG Guidelines, 2015. Collection method: not provided. Allele origin: germline. Inheritance: Autosomal recessive inheritance. Affected: yes.

PreventionGenetics, part of Exact Sciences
Classification: Likely benign for TNXB-related condition. Last evaluated: 2022-08-01. Review status: no assertion criteria provided. Collection method: clinical testing. Allele origin: germline. Not counted in ClinVar's aggregate classification.
Comment: This variant is classified as likely benign based on ACMG/AMP sequence variant interpretation guidelines (Richards et al. 2015 PMID: 25741868, with internal and published modifications).

NM_001365276.2(TNXB):c.3272C>A (p.Ser1091Tyr)

Gene: TNXB (tenascin XB; minus strand). Cytogenetic location: 6p21.33.
Variant type: single nucleotide variant.
Coding change: c.3272C>A on transcript NM_001365276.2 (MANE Select); coding-DNA position 3272, C replaced by A.
Protein change: p.Ser1091Tyr; replaces serine 1091 with tyrosine.
Molecular consequence: missense variant.
Genome position (GRCh38, 1-based): chr6:32,084,586, G>T on the plus strand (C>A on the coding strand, the complement: TNXB is on the minus strand). VCF-style: chr6-32084586-G-T. GRCh37 (hg19) VCF-style: chr6-32052363-G-T.
Other names: p.Ser1091Tyr; c.3272C>A, p.Ser1091Tyr (NM_019105.8); short protein forms S1091Y.
Identifiers: ClinVar variation 1201682 (VCV001201682.22), dbSNP rs61978561, ClinGen allele CA3735211.